The following is an entry in ClinVar:

ClinVar aggregate classification (germline): Uncertain significance. Review status: criteria provided, multiple submitters, no conflicts (2 of 4 stars). 5 submissions from 5 submitters: Uncertain significance (5). Last evaluated 2026-08-18.

Conditions:
KMT2D-related disorder. Also called: KMT2D-Related Disorders.
Kabuki syndrome. Also called: Kabuki make-up syndrome; NIIKAWA-KUROKI SYNDROME. Identifiers: Orphanet 2322, MedGen C0796004, MONDO:0016512.
Kabuki syndrome 1 (KABUK1). Also called: KMT2D-Related Kabuki Syndrome. Identifiers: Orphanet 2322, MedGen CN030661, MONDO:0007843, OMIM 147920.

Allele frequency attached by ClinVar (database versions not stated): TOPMed below 0.00001; gnomAD 0.00001; gnomAD exomes 0.00001.
gnomAD v4.1: 14 of 1,553,508 alleles (0.0009%); highest among the groups gnomAD compares: South Asian, 0.0024%; no homozygotes.

Submissions (5):

PreventionGenetics, part of Exact Sciences
Classification: Uncertain significance for KMT2D-related condition. Last evaluated: 2026-08-18. Review status: criteria provided, single submitter. Criteria: ACMG Guidelines, 2015. Collection method: clinical testing. Allele origin: germline.
Comment: The KMT2D c.8506C>T variant is predicted to result in the amino acid substitution p.Arg2836Cys. To our knowledge, this variant has not been reported in the literature or in a large population database (gnomAD), indicating this variant is rare. However, in gnomAD v4 (available only on GRCh38), this variant is reported in 14 alleles. Additionally, this variant has been detected in multiple individuals undergoing testing for non-KMT2D related indications (Internal data). Although we suspect that this variant may be benign, at this time, the clinical significance of this variant is uncertain due to the absence of conclusive functional and genetic evidence.

Labcorp Genetics (formerly Invitae), Labcorp
Classification: Uncertain significance for Kabuki syndrome. Last evaluated: 2024-01-24. Review status: criteria provided, single submitter. Criteria: Invitae Variant Classification Sherloc (09022015). Collection method: clinical testing. Allele origin: germline.
Comment: This sequence change replaces arginine, which is basic and polar, with cysteine, which is neutral and slightly polar, at codon 2836 of the KMT2D protein (p.Arg2836Cys). This variant is not present in population databases (gnomAD no frequency). This missense change has been observed in individual(s) with clinical features of Kabuki syndrome (PMID: 25326635). ClinVar contains an entry for this variant (Variation ID: 561047). Advanced modeling of protein sequence and biophysical properties (such as structural, functional, and spatial information, amino acid conservation, physicochemical variation, residue mobility, and thermodynamic stability) performed at Invitae indicates that this missense variant is not expected to disrupt KMT2D protein function with a negative predictive value of 95%. In summary, the available evidence is currently insufficient to determine the role of this variant in disease. Therefore, it has been classified as a Variant of Uncertain Significance.

Blueprint Genetics
Classification: Uncertain significance. Last evaluated: 2023-02-15. Review status: criteria provided, single submitter. Criteria: ACMG Guidelines, 2015. Collection method: clinical testing. Allele origin: germline.

Fulgent Genetics
Classification: Uncertain significance for Kabuki syndrome 1. Last evaluated: 2021-10-18. Review status: criteria provided, single submitter. Criteria: ACMG Guidelines, 2015. Collection method: clinical testing. Allele origin: unknown.

Baylor Genetics
Classification: Uncertain significance for Kabuki syndrome 1. Last evaluated: 2017-09-01. Review status: criteria provided, single submitter. Criteria: ACMG Guidelines, 2015. Collection method: clinical testing. Allele origin: somatic. Inheritance: Autosomal dominant inheritance. Affected: yes.

Literature cited by the submitters: PubMed 25326635 (cited by Labcorp Genetics (formerly Invitae), Labcorp and Baylor Genetics).

NM_003482.4(KMT2D):c.8506C>T (p.Arg2836Cys)

Gene: KMT2D (lysine methyltransferase 2D; minus strand). Cytogenetic location: 12q13.12.
Variant type: single nucleotide variant.
Coding change: c.8506C>T on transcript NM_003482.4 (MANE Select); coding-DNA position 8506, C replaced by T.
Protein change: p.Arg2836Cys; replaces arginine 2836 with cysteine.
Molecular consequence: missense variant.
Genome position (GRCh38, 1-based): chr12:49,038,850, G>A on the plus strand (C>T on the coding strand, the complement: KMT2D is on the minus strand). VCF-style: chr12-49038850-G-A. GRCh37 (hg19) VCF-style: chr12-49432633-G-A.
Other names: short protein forms R2836C.
Identifiers: ClinVar variation 561047 (VCV000561047.8), dbSNP rs1346754879, ClinGen allele CA384742029.